The following is an entry in ClinVar:

NM_000661.5(RPL9):c.568G>T (p.Ala190Ser)

Gene: RPL9 (ribosomal protein L9; minus strand). Cytogenetic location: 4p14.
Variant type: single nucleotide variant.
Coding change: c.568G>T on transcript NM_000661.5 (MANE Select); coding-DNA position 568, G replaced by T.
Protein change: p.Ala190Ser; replaces alanine 190 with serine.
Molecular consequence: missense variant.
Genome position (GRCh38, 1-based): chr4:39,454,554, C>A on the plus strand (G>T on the coding strand, the complement: RPL9 is on the minus strand). VCF-style: chr4-39454554-C-A. GRCh37 (hg19) VCF-style: chr4-39456174-C-A.
Other names: c.568G>T, p.Ala190Ser (NM_001024921.4); short protein forms A190S.
Identifiers: ClinVar variation 2464108 (VCV002464108.6), dbSNP rs1453715995, ClinGen allele CA356661753.

ClinVar aggregate classification (germline): Uncertain significance. Review status: criteria provided, multiple submitters, no conflicts (2 of 4 stars). 2 submissions from 2 submitters: Uncertain significance (2). Last evaluated 2025-11-24.

Allele frequency attached by ClinVar (database versions not stated): gnomAD 0.00001; gnomAD exomes 0.00001; TOPMed 0.00001.
gnomAD v4.1: 8 of 1,609,530 alleles (0.0005%); highest among the groups gnomAD compares: Non-Finnish European, 0.00068%; no homozygotes.

Submissions (2):

Ambry Genetics
Classification: Uncertain significance. Last evaluated: 2025-11-24. Review status: criteria provided, single submitter. Criteria: Ambry Variant Classification Scheme 2023. Collection method: clinical testing. Allele origin: germline.

Labcorp Genetics (formerly Invitae), Labcorp
Classification: Uncertain significance. Last evaluated: 2023-08-04. Review status: criteria provided, single submitter. Criteria: Invitae Variant Classification Sherloc (09022015). Collection method: clinical testing. Allele origin: germline.
Comment: This variant has not been reported in the literature in individuals affected with RPL9-related conditions. In summary, the available evidence is currently insufficient to determine the role of this variant in disease. Therefore, it has been classified as a Variant of Uncertain Significance. An algorithm developed to predict the effect of missense changes on protein structure and function (PolyPhen-2) suggests that this variant is likely to be tolerated. ClinVar contains an entry for this variant (Variation ID: 2464108). This variant is not present in population databases (gnomAD no frequency). This sequence change replaces alanine, which is neutral and non-polar, with serine, which is neutral and polar, at codon 190 of the RPL9 protein (p.Ala190Ser).